The following is an entry in ClinVar:

ClinVar aggregate classification (germline): Uncertain significance (1 of 4 stars; one submission).

Conditions:
Intellectual developmental disorder, X-linked, syndromic 14. Also called: Syndromic X-linked intellectual disability 14. Identifiers: Orphanet 776, MedGen C1970822, MONDO:0010398, OMIM 300676.

gnomAD v4.1: 8 of 1,209,781 alleles (0.00066%); highest among the groups gnomAD compares: Non-Finnish European, 0.00067%; no homozygotes.

Submission:

Labcorp Genetics (formerly Invitae), Labcorp
Classification: Uncertain significance for Intellectual developmental disorder, X-linked, syndromic 14. Last evaluated: 2025-01-08. Review status: criteria provided, single submitter. Criteria: Invitae Variant Classification Sherloc (09022015). Collection method: clinical testing. Allele origin: germline.
Comment: This sequence change replaces arginine, which is basic and polar, with glutamine, which is neutral and polar, at codon 447 of the UPF3B protein (p.Arg447Gln). This variant is not present in population databases (gnomAD no frequency). This variant has not been reported in the literature in individuals affected with UPF3B-related conditions. Invitae Evidence Modeling of protein sequence and biophysical properties (such as structural, functional, and spatial information, amino acid conservation, physicochemical variation, residue mobility, and thermodynamic stability) indicates that this missense variant is expected to disrupt UPF3B protein function with a positive predictive value of 80%. In summary, the available evidence is currently insufficient to determine the role of this variant in disease. Therefore, it has been classified as a Variant of Uncertain Significance.

NM_080632.3(UPF3B):c.1340G>A (p.Arg447Gln)

Gene: UPF3B (UPF3B regulator of nonsense mediated mRNA decay; minus strand). Cytogenetic location: Xq24.
Variant type: single nucleotide variant.
Coding change: c.1340G>A on transcript NM_080632.3 (MANE Select); coding-DNA position 1340, G replaced by A.
Protein change: p.Arg447Gln; replaces arginine 447 with glutamine.
Molecular consequence: missense variant.
Genome position (GRCh38, 1-based): chrX:119,834,990, C>T on the plus strand (G>A on the coding strand, the complement: UPF3B is on the minus strand). VCF-style: chrX-119834990-C-T. GRCh37 (hg19) VCF-style: chrX-118968953-C-T.
Other names: c.1301G>A, p.Arg434Gln (NM_023010.4); short protein forms R447Q, R434Q.
Identifiers: ClinVar variation 3653671 (VCV003653671.2).